The following is an entry in ClinVar:

ClinVar aggregate classification (germline): Uncertain significance (0 of 4 stars; one submission).

Conditions:
CTNND2-related disorder. Also called: CTNND2-related condition.

Submission:

PreventionGenetics, part of Exact Sciences
Classification: Uncertain significance for CTNND2-related condition. Last evaluated: 2024-01-18. Review status: no assertion criteria provided. Collection method: clinical testing. Allele origin: germline.
Comment: The CTNND2 c.1417G>A variant is predicted to result in the amino acid substitution p.Gly473Ser. To our knowledge, this variant has not been reported in the literature or in a large population database, indicating this variant is rare. At this time, the clinical significance of this variant is uncertain due to the absence of conclusive functional and genetic evidence.

NM_001332.4(CTNND2):c.1417G>A (p.Gly473Ser)

Gene: CTNND2 (catenin delta 2; minus strand). Cytogenetic location: 5p15.2.
Variant type: single nucleotide variant.
Coding change: c.1417G>A on transcript NM_001332.4 (MANE Select); coding-DNA position 1417, G replaced by A.
Protein change: p.Gly473Ser; replaces glycine 473 with serine.
Molecular consequence: missense variant. On other transcripts: non-coding transcript variant (1).
Genome position (GRCh38, 1-based): chr5:11,346,583, C>T on the plus strand (G>A on the coding strand, the complement: CTNND2 is on the minus strand). VCF-style: chr5-11346583-C-T. GRCh37 (hg19) VCF-style: chr5-11346695-C-T.
Other names: c.1144G>A, p.Gly382Ser (NM_001288715.1); c.406G>A, p.Gly136Ser (NM_001288716.1, NM_001364128.2); c.118G>A, p.Gly40Ser (NM_001288717.2); short protein forms G136S, G382S, G40S, G473S.
Identifiers: ClinVar variation 3032472 (VCV003032472.2), dbSNP rs2547098424, ClinGen allele CA359278847.
Genomic context (GRCh38, chr5:11,346,583, plus strand): 5'-CGGCATAGCTGGCCCTCTGGAAGGTGGCCGCGGCGGCATTCTGTGGGCCGTGCTGGCTGC[C>T]TGTGCGCTGCAAGGGGACGGAGTCGACACCAGGGGAAGATGGGGCTACGACAGGAAAGTA-3'
Protein context (NP_001323.1, residues 463-483): GVDSVPLQRT[Gly473Ser]SQHGPQNAAA